The following is an entry in ClinVar:

NM_024529.5(CDC73):c.99del (p.Lys34fs)

Gene: CDC73 (cell division cycle 73; plus strand). Cytogenetic location: 1q31.2.
Variant type: Deletion.
Coding change: c.99del on transcript NM_024529.5 (MANE Select); coding-DNA position 99, one base deleted (C; older notation c.99delC).
Protein change: p.Lys34fs; shifts the reading frame from lysine 34.
Molecular consequence: frameshift variant.
Genome position (GRCh38, 1-based): chr1:193,122,299, C deleted; the last of 3 consecutive C bases (chr1:193,122,297-193,122,299); deleting any one gives the same sequence. VCF-style (leftmost placement, unchanged base first): chr1-193122296-GC-G. GRCh37 (hg19) VCF-style: chr1-193091426-GC-G.
Other names: short protein forms K34fs.
Identifiers: ClinVar variation 2003171 (VCV002003171.4), dbSNP rs2527281416, ClinGen allele CA2580061757.
Genomic context (GRCh38, chr1:193,122,296, plus strand): 5'-CATCCAGAAGAAGGAGATTGTGGTGAAGGGAGACGAAGTGATCTTCGGGGAGTTCTCCTG[GC>G]CCAAGAATGTGAAGACCAACTATGTTGTTTGGGGGTAAGTCCGGCATGGCTGTGGCCCAG-3'

ClinVar aggregate classification (germline): Pathogenic (1 of 4 stars; one submission).

Conditions:
Parathyroid carcinoma (PRTC). Also called: Parathyroid gland carcinoma; CDC73-Related Parathyroid Carcinoma. Identifiers: Orphanet 143, MedGen C0687150, MONDO:0012004, OMIM 608266, HP:0006780.

Submission:

Labcorp Genetics (formerly Invitae), Labcorp
Classification: Pathogenic for Parathyroid carcinoma. Last evaluated: 2022-06-08. Review status: criteria provided, single submitter. Criteria: Invitae Variant Classification Sherloc (09022015). Collection method: clinical testing. Allele origin: germline.
Comment: For these reasons, this variant has been classified as Pathogenic. This variant has not been reported in the literature in individuals affected with CDC73-related conditions. This variant is not present in population databases (gnomAD no frequency). This sequence change creates a premature translational stop signal (p.Lys34Argfs*3) in the CDC73 gene. It is expected to result in an absent or disrupted protein product. Loss-of-function variants in CDC73 are known to be pathogenic (PMID: 12434154).

Literature cited by the submitters: PubMed 12434154.